The following is an entry in ClinVar:

NM_001458.5(FLNC):c.2436del (p.Ala813fs)

Gene: FLNC (filamin C; plus strand). Cytogenetic location: 7q32.1.
Variant type: Deletion.
Coding change: c.2436del on transcript NM_001458.5 (MANE Select); coding-DNA position 2436, one base deleted (T; older notation c.2436delT).
Protein change: p.Ala813fs; shifts the reading frame from alanine 813.
Molecular consequence: frameshift variant.
Genome position (GRCh38, 1-based): chr7:128,842,840, T deleted. VCF-style (leftmost placement, unchanged base first): chr7-128842839-CT-C. GRCh37 (hg19) VCF-style: chr7-128482893-CT-C.
Other names: c.2436del, p.Ala813fs (NM_001127487.2); short protein forms A813fs.
Identifiers: ClinVar variation 3759388 (VCV003759388.2).
Genomic context (GRCh38, chr7:128,842,839, plus strand): 5'-CCCGCTTCTCTGCAGGCGACGTGAGCATCGGCATCAAGTGCGCCCCAGGCGTGGTGGGCC[CT>C]GCAGAGGCTGACATTGACTTCGACATCATCAAGAATGACAACGACACCTTCACCGTCAAG-3'

ClinVar aggregate classification (germline): Pathogenic (1 of 4 stars; one submission).

Conditions:
Distal myopathy with posterior leg and anterior hand involvement. Also called: WILLIAMS DISTAL MYOPATHY. Identifiers: Orphanet 63273, MedGen C3279722, MONDO:0013550, OMIM 614065.
Hypertrophic cardiomyopathy 26. Also called: Cardiomyopathy, familial hypertrophic, 26. Identifiers: Orphanet 75249, MedGen C4310749, MONDO:0014883, OMIM 617047.
Myofibrillar myopathy 5. Also called: Filaminopathy (type); FILAMINOPATHY, AUTOSOMAL DOMINANT. Identifiers: Orphanet 171445, MedGen C1836050, MONDO:0012289, OMIM 609524.

Submission:

Labcorp Genetics (formerly Invitae), Labcorp
Classification: Pathogenic for Distal myopathy with posterior leg and anterior hand involvement; Myofibrillar myopathy 5; Hypertrophic cardiomyopathy 26. Last evaluated: 2025-08-08. Review status: criteria provided, single submitter. Criteria: Invitae Variant Classification Sherloc (09022015). Collection method: clinical testing. Allele origin: germline.
Comment: This sequence change creates a premature translational stop signal (p.Ala813Glnfs*65) in the FLNC gene. It is expected to result in an absent or disrupted protein product. Loss-of-function variants in FLNC are known to be pathogenic (PMID: 27908349). This variant is not present in population databases (gnomAD no frequency). This variant has not been reported in the literature in individuals affected with FLNC-related conditions. ClinVar contains an entry for this variant (Variation ID: 3759388). For these reasons, this variant has been classified as Pathogenic.

Literature cited by the submitters: PubMed 27908349.